The following is an entry in ClinVar:

ClinVar aggregate classification (germline): Uncertain significance. Review status: criteria provided, multiple submitters, no conflicts (2 of 4 stars). 5 submissions from 5 submitters: Uncertain significance (3). 2 of the submissions do not count toward it. Last evaluated 2024-09-13.

Conditions:
Congenital lactic acidosis, Saguenay-Lac-Saint-Jean type (MC4DN5). Also called: CYTOCHROME c OXIDASE DEFICIENCY, FRENCH CANADIAN TYPE; COX DEFICIENCY, FRENCH CANADIAN TYPE; MITOCHONDRIAL COMPLEX IV DEFICIENCY, NUCLEAR TYPE 5. Identifiers: Orphanet 70472, MedGen C1857355, MONDO:0009069, OMIM 220111.
LRPPRC-related disorder. Also called: LRPPRC-related condition.

Allele frequency attached by ClinVar (database versions not stated): gnomAD exomes 0.00003; gnomAD 0.00005; ExAC 0.00006; TOPMed 0.00012; ESP Exome Variant Server 0.00015.
gnomAD v4.1: 28 of 1,610,892 alleles (0.0017%); highest among the groups gnomAD compares: African/African-American, 0.021%; no homozygotes.

Submissions (5):

GeneDx
Classification: Uncertain significance. Last evaluated: 2024-09-13. Review status: criteria provided, single submitter. Criteria: GeneDx Variant Classification Process June 2021. Collection method: clinical testing. Allele origin: germline. Affected: yes.
Comment: Has not been previously published as pathogenic or benign to our knowledge; In silico analysis supports that this missense variant has a deleterious effect on protein structure/function

Blueprint Genetics
Classification: Uncertain significance. Last evaluated: 2023-08-28. Review status: criteria provided, single submitter. Criteria: ACMG Guidelines, 2015. Collection method: clinical testing. Allele origin: germline.

Labcorp Genetics (formerly Invitae), Labcorp
Classification: Uncertain significance. Last evaluated: 2022-11-01. Review status: criteria provided, single submitter. Criteria: Invitae Variant Classification Sherloc (09022015). Collection method: clinical testing. Allele origin: germline.
Comment: This sequence change replaces tyrosine, which is neutral and polar, with cysteine, which is neutral and slightly polar, at codon 714 of the LRPPRC protein (p.Tyr714Cys). This variant is present in population databases (rs375559765, gnomAD 0.02%). This variant has not been reported in the literature in individuals affected with LRPPRC-related conditions. ClinVar contains an entry for this variant (Variation ID: 1199097). Advanced modeling of protein sequence and biophysical properties (such as structural, functional, and spatial information, amino acid conservation, physicochemical variation, residue mobility, and thermodynamic stability) performed at Invitae indicates that this missense variant is expected to disrupt LRPPRC protein function. In summary, the available evidence is currently insufficient to determine the role of this variant in disease. Therefore, it has been classified as a Variant of Uncertain Significance.

PreventionGenetics, part of Exact Sciences
Classification: Uncertain significance for LRPPRC-related condition. Last evaluated: 2023-12-14. Review status: no assertion criteria provided. Collection method: clinical testing. Allele origin: germline. Not counted in ClinVar's aggregate classification.
Comment: The LRPPRC c.2141A>G variant is predicted to result in the amino acid substitution p.Tyr714Cys. To our knowledge, this variant has not been reported in the literature. This variant is reported in 0.020% of alleles in individuals of African descent in gnomAD. At this time, the clinical significance of this variant is uncertain due to the absence of conclusive functional and genetic evidence.

Natera, Inc.
Classification: Uncertain significance for French-Canadian type Leigh syndrome. Last evaluated: 2020-07-26. Review status: no assertion criteria provided. Collection method: clinical testing. Allele origin: germline. Not counted in ClinVar's aggregate classification.

NM_133259.4(LRPPRC):c.2141A>G (p.Tyr714Cys)

Gene: LRPPRC (leucine rich pentatricopeptide repeat containing; minus strand). Cytogenetic location: 2p21.
Variant type: single nucleotide variant.
Coding change: c.2141A>G on transcript NM_133259.4 (MANE Select); coding-DNA position 2141, A replaced by G.
Protein change: p.Tyr714Cys; replaces tyrosine 714 with cysteine.
Molecular consequence: missense variant.
Genome position (GRCh38, 1-based): chr2:43,946,182, T>C on the plus strand (A>G on the coding strand, the complement: LRPPRC is on the minus strand). VCF-style: chr2-43946182-T-C. GRCh37 (hg19) VCF-style: chr2-44173321-T-C.
Other names: short protein forms Y714C.
Identifiers: ClinVar variation 1199097 (VCV001199097.9), dbSNP rs375559765, ClinGen allele CA1638575.